The following is an entry in ClinVar:

NM_004655.4(AXIN2):c.823A>C (p.Lys275Gln)

Gene: AXIN2 (axin 2; minus strand). Cytogenetic location: 17q24.1.
Variant type: single nucleotide variant.
Coding change: c.823A>C on transcript NM_004655.4 (MANE Select); coding-DNA position 823, A replaced by C.
Protein change: p.Lys275Gln; replaces lysine 275 with glutamine.
Molecular consequence: missense variant.
Genome position (GRCh38, 1-based): chr17:65,549,653, T>G on the plus strand (A>C on the coding strand, the complement: AXIN2 is on the minus strand). VCF-style: chr17-65549653-T-G. GRCh37 (hg19) VCF-style: chr17-63545771-T-G.
Other names: c.823A>C, p.Lys275Gln (NM_001363813.1); short protein forms K275Q.
Identifiers: ClinVar variation 2076042 (VCV002076042.4), dbSNP rs2544218755, ClinGen allele CA400679701.

ClinVar aggregate classification (germline): Uncertain significance (1 of 4 stars; one submission).

Conditions:
Oligodontia-cancer predisposition syndrome. Also called: TOOTH AGENESIS-COLORECTAL CANCER SYNDROME. Identifiers: Orphanet 300576, MedGen C1837750, MONDO:0012075, OMIM 608615. Disease mechanism: loss of function.

Submission:

Labcorp Genetics (formerly Invitae), Labcorp
Classification: Uncertain significance for Oligodontia-cancer predisposition syndrome. Last evaluated: 2022-01-06. Review status: criteria provided, single submitter. Criteria: Invitae Variant Classification Sherloc (09022015). Collection method: clinical testing. Allele origin: germline.
Comment: This variant is not present in population databases (gnomAD no frequency). In summary, the available evidence is currently insufficient to determine the role of this variant in disease. Therefore, it has been classified as a Variant of Uncertain Significance. Algorithms developed to predict the effect of missense changes on protein structure and function are either unavailable or do not agree on the potential impact of this missense change (SIFT: "Tolerated"; PolyPhen-2: "Possibly Damaging"; Align-GVGD: "Class C0"). This variant has not been reported in the literature in individuals affected with AXIN2-related conditions. This sequence change replaces lysine, which is basic and polar, with glutamine, which is neutral and polar, at codon 275 of the AXIN2 protein (p.Lys275Gln).